The following is an entry in ClinVar:

NM_001458.5(FLNC):c.1210+8G>A

Gene: FLNC (filamin C; plus strand). Cytogenetic location: 7q32.1.
Variant type: single nucleotide variant.
Coding change: c.1210+8G>A on transcript NM_001458.5 (MANE Select); 8 bases into the intron after coding-DNA position 1210, G replaced by A.
Molecular consequence: intron variant.
Genome position (GRCh38, 1-based): chr7:128,838,437, G>A. VCF-style: chr7-128838437-G-A. GRCh37 (hg19) VCF-style: chr7-128478491-G-A.
Other names: c.1210+8G>A (NM_001127487.2).
Identifiers: ClinVar variation 539457 (VCV000539457.13), dbSNP rs368892134, ClinGen allele CA4474262.

ClinVar aggregate classification (germline): Likely benign. Review status: criteria provided, multiple submitters, no conflicts (2 of 4 stars). 2 submissions from 2 submitters: Likely benign (2). Last evaluated 2026-01-04.

Conditions:
FLNC-related disorder. Also called: FLNC-related disorders; FLNC-related condition.
Hypertrophic cardiomyopathy 26. Also called: Cardiomyopathy, familial hypertrophic, 26. Identifiers: Orphanet 75249, MedGen C4310749, MONDO:0014883, OMIM 617047.
Distal myopathy with posterior leg and anterior hand involvement. Also called: WILLIAMS DISTAL MYOPATHY. Identifiers: Orphanet 63273, MedGen C3279722, MONDO:0013550, OMIM 614065.
Myofibrillar myopathy 5. Also called: Filaminopathy (type); FILAMINOPATHY, AUTOSOMAL DOMINANT. Identifiers: Orphanet 171445, MedGen C1836050, MONDO:0012289, OMIM 609524.

Allele frequency attached by ClinVar (database versions not stated): TOPMed 0.00002; gnomAD 0.00003 and 0.00005; ExAC 0.00008; ESP Exome Variant Server 0.00008.
gnomAD v4.1: 42 of 1,613,552 alleles (0.0026%); highest among the groups gnomAD compares: Middle Eastern, 0.082%; no homozygotes.

Submissions (2):

Labcorp Genetics (formerly Invitae), Labcorp
Classification: Likely benign for Distal myopathy with posterior leg and anterior hand involvement; Myofibrillar myopathy 5; Hypertrophic cardiomyopathy 26. Last evaluated: 2026-01-04. Review status: criteria provided, single submitter. Criteria: Invitae Variant Classification Sherloc (09022015). Collection method: clinical testing. Allele origin: germline.

PreventionGenetics, part of Exact Sciences
Classification: Likely benign for FLNC-related condition. Last evaluated: 2025-04-30. Review status: criteria provided, single submitter. Criteria: ACMG Guidelines, 2015. Collection method: clinical testing. Allele origin: germline.
Comment: This variant is classified as likely benign based on ACMG/AMP sequence variant interpretation guidelines (Richards et al. 2015 PMID: 25741868, with internal and published modifications).